The following is an entry in ClinVar:

NM_013275.6(ANKRD11):c.4287T>A (p.Asp1429Glu)

Gene: ANKRD11 (ankyrin repeat domain 11; minus strand). Cytogenetic location: 16q24.3.
Variant type: single nucleotide variant.
Coding change: c.4287T>A on transcript NM_013275.6 (MANE Select); coding-DNA position 4287, T replaced by A.
Protein change: p.Asp1429Glu; replaces aspartic acid 1429 with glutamic acid.
Molecular consequence: missense variant.
Genome position (GRCh38, 1-based): chr16:89,282,255, A>T on the plus strand (T>A on the coding strand, the complement: ANKRD11 is on the minus strand). VCF-style: chr16-89282255-A-T. GRCh37 (hg19) VCF-style: chr16-89348663-A-T.
Other names: c.4287T>A, p.Asp1429Glu (NM_001256182.2, NM_001256183.2); c.4287T>A (NM_013275.4); short protein forms D1429E.
Identifiers: ClinVar variation 3234819 (VCV003234819.22), dbSNP rs369930119, ClinGen allele CA8242161.

ClinVar aggregate classification (germline): Conflicting classifications of pathogenicity. Review status: criteria provided, conflicting classifications (1 of 4 stars). 3 submissions from 3 submitters: Uncertain significance (1); Likely benign (2). Last evaluated 2026-01-26.

Conditions:
KBG syndrome (KBGS). Also called: ANKRD11-Related KBG Syndrome. Identifiers: Orphanet 2332, MedGen C0220687, MONDO:0007846, OMIM 148050.
Inborn genetic diseases. Identifiers: MedGen C0950123, MeSH D030342.

Allele frequency attached by ClinVar (database versions not stated): gnomAD exomes 0.00001; ExAC 0.00002; ESP Exome Variant Server 0.00008; gnomAD 0.00009; 1000 Genomes Project 30x 0.00031; 1000 Genomes Project 0.00040.
gnomAD v4.1: 26 of 1,613,842 alleles (0.0016%); highest among the groups gnomAD compares: African/African-American, 0.033%; no homozygotes.

Submissions (3):

Labcorp Genetics (formerly Invitae), Labcorp
Classification: Uncertain significance for KBG syndrome. Last evaluated: 2026-01-26. Review status: criteria provided, single submitter. Criteria: Invitae Variant Classification Sherloc (09022015). Collection method: clinical testing. Allele origin: germline.
Comment: This sequence change replaces aspartic acid, which is acidic and polar, with glutamic acid, which is acidic and polar, at codon 1429 of the ANKRD11 protein (p.Asp1429Glu). This variant is present in population databases (rs369930119, gnomAD 0.02%). This variant has not been reported in the literature in individuals affected with ANKRD11-related conditions. ClinVar contains an entry for this variant (Variation ID: 3234819). Invitae Evidence Modeling of protein sequence and biophysical properties (such as structural, functional, and spatial information, amino acid conservation, physicochemical variation, residue mobility, and thermodynamic stability) indicates that this missense variant is not expected to disrupt ANKRD11 protein function with a negative predictive value of 95%. In summary, the available evidence is currently insufficient to determine the role of this variant in disease. Therefore, it has been classified as a Variant of Uncertain Significance.

Ambry Genetics
Classification: Likely benign for Inborn genetic diseases. Last evaluated: 2025-09-22. Review status: criteria provided, single submitter. Criteria: Ambry Variant Classification Scheme 2023. Collection method: clinical testing. Allele origin: germline.

CeGaT Center for Human Genetics Tuebingen
Classification: Likely benign. Last evaluated: 2024-04-01. Review status: criteria provided, single submitter. Criteria: CeGaT Center For Human Genetics Tuebingen Variant Classification Criteria Version 2. Collection method: clinical testing. Allele origin: germline. Affected: yes. Observed: 1 variant allele.
Comment: ANKRD11: BP4